The following is an entry in ClinVar:

ClinVar aggregate classification (germline): not provided (0 of 4 stars; one submission).

Allele frequency attached by ClinVar (database versions not stated): gnomAD exomes 0.00052; ExAC 0.00096; 1000 Genomes Project 0.00100; 1000 Genomes Project 30x 0.00125; gnomAD 0.00175; ESP Exome Variant Server 0.00187; TOPMed 0.00223.
gnomAD v4.1: 619 of 1,609,158 alleles (0.038%); highest among the groups gnomAD compares: African/African-American, 0.63%; 3 homozygotes.

Submission:

ITMI
No classification provided. Condition: AllHighlyPenetrant. Last evaluated: 2013-09-19. Review status: no classification provided. Collection method: reference population. Allele origin: germline.
Comment: Please see associated publication for description of ethnicities

Literature cited by the submitters: PubMed 24728327.

NM_001300.6(KLF6):c.676+28C>T

Gene: KLF6 (KLF transcription factor 6; minus strand). Cytogenetic location: 10p15.2.
Variant type: single nucleotide variant.
Coding change: c.676+28C>T on transcript NM_001300.6 (MANE Select); 28 bases into the intron after coding-DNA position 676, C replaced by T.
Molecular consequence: intron variant.
Genome position (GRCh38, 1-based): chr10:3,781,613, G>A on the plus strand (C>T on the coding strand, the complement: KLF6 is on the minus strand). VCF-style: chr10-3781613-G-A. GRCh37 (hg19) VCF-style: chr10-3823805-G-A.
Other names: c.550+154C>T (NM_001160124.2); c.676+28C>T (NM_001160125.2).
Identifiers: ClinVar variation 133352 (VCV000133352.1), dbSNP rs192712828, ClinGen allele CA156442.
Genomic context (GRCh38, chr10:3,781,613, plus strand): 5'-GTGCAGCCAGGCCCGGCTCCCTCCAGGGCTGGTGCAATGCAGTGGCGCCCACCAGCGGCC[G>A]CCCTCCGGGGCCCGCGTGGGCACTGACCTGTGTGCGTCCGCTGGTGTGCTTTCAAGTGGG-3'